The following is an entry in ClinVar:

ClinVar aggregate classification (germline): Pathogenic (1 of 4 stars; one submission).

Submission:

Labcorp Genetics (formerly Invitae), Labcorp
Classification: Pathogenic. Last evaluated: 2022-06-01. Review status: criteria provided, single submitter. Criteria: Invitae Variant Classification Sherloc (09022015). Collection method: clinical testing. Allele origin: germline.
Comment: For these reasons, this variant has been classified as Pathogenic. This variant has not been reported in the literature in individuals affected with ABCC8-related conditions. This sequence change creates a premature translational stop signal (p.His125Glnfs*146) in the ABCC8 gene. It is expected to result in an absent or disrupted protein product. Loss-of-function variants in ABCC8 are known to be pathogenic (PMID: 20685672, 23345197). This variant is not present in population databases (gnomAD no frequency).

Literature cited by the submitters: PubMed 20685672; PubMed 23345197.

NM_000352.6(ABCC8):c.375_376del (p.His125fs)

Gene: ABCC8 (ATP binding cassette subfamily C member 8; minus strand). Cytogenetic location: 11p15.1.
Variant type: Microsatellite.
Coding change: c.375_376del on transcript NM_000352.6 (MANE Select); coding-DNA positions 375 to 376, 2 bases deleted (CA; older notation c.375_376delCA).
Protein change: p.His125fs; shifts the reading frame from histidine 125.
Molecular consequence: frameshift variant. On other transcripts: non-coding transcript variant (1).
Genome position (GRCh38, 1-based): chr11:17,470,137-17,470,138, TG deleted on the plus strand (CA on the coding strand, the reverse complement: ABCC8 is on the minus strand); deleting any 2 consecutive bases within chr11:17,470,137-17,470,140 gives the same sequence; the c. name uses the placement nearest the transcript's 3' end. VCF-style (leftmost placement, unchanged base first): chr11-17470136-TTG-T. GRCh37 (hg19) VCF-style: chr11-17491683-TTG-T.
Other names: c.375_376del, p.His125fs (NM_001287174.3, NM_001351295.2, NM_001351296.2 and 1 more transcripts); short protein forms H125fs.
Identifiers: ClinVar variation 2001595 (VCV002001595.4), dbSNP rs2496897477, ClinGen allele CA2580615640.